The following is an entry in ClinVar:

NM_001852.4(COL9A2):c.731G>C (p.Gly244Ala)

Gene: COL9A2 (collagen type IX alpha 2 chain; minus strand). Cytogenetic location: 1p34.2.
Variant type: single nucleotide variant.
Coding change: c.731G>C on transcript NM_001852.4 (MANE Select); coding-DNA position 731, G replaced by C.
Protein change: p.Gly244Ala; replaces glycine 244 with alanine.
Molecular consequence: missense variant.
Genome position (GRCh38, 1-based): chr1:40,310,271, C>G on the plus strand (G>C on the coding strand, the complement: COL9A2 is on the minus strand). VCF-style: chr1-40310271-C-G. GRCh37 (hg19) VCF-style: chr1-40775943-C-G.
Other names: short protein forms G244A.
Identifiers: ClinVar variation 1416886 (VCV001416886.6), dbSNP rs773038976, ClinGen allele CA339854118.

ClinVar aggregate classification (germline): Uncertain significance (1 of 4 stars; one submission).

Submission:

Labcorp Genetics (formerly Invitae), Labcorp
Classification: Uncertain significance. Last evaluated: 2024-10-25. Review status: criteria provided, single submitter. Criteria: Invitae Variant Classification Sherloc (09022015). Collection method: clinical testing. Allele origin: germline.
Comment: This sequence change replaces glycine, which is neutral and non-polar, with alanine, which is neutral and non-polar, at codon 244 of the COL9A2 protein (p.Gly244Ala). This variant is not present in population databases (gnomAD no frequency). This variant has not been reported in the literature in individuals affected with COL9A2-related conditions. ClinVar contains an entry for this variant (Variation ID: 1416886). Invitae Evidence Modeling of protein sequence and biophysical properties (such as structural, functional, and spatial information, amino acid conservation, physicochemical variation, residue mobility, and thermodynamic stability) indicates that this missense variant is expected to disrupt COL9A2 protein function with a positive predictive value of 95%. In summary, the available evidence is currently insufficient to determine the role of this variant in disease. Therefore, it has been classified as a Variant of Uncertain Significance.